The following is an entry in ClinVar:

ClinVar aggregate classification (germline): Pathogenic (1 of 4 stars; one submission).

Conditions:
Inborn genetic diseases. Identifiers: MedGen C0950123, MeSH D030342.

Submission:

Ambry Genetics
Classification: Pathogenic for Inborn genetic diseases. Last evaluated: 2026-06-16. Review status: criteria provided, single submitter. Criteria: Ambry Variant Classification Scheme 2023. Collection method: clinical testing. Allele origin: germline.
Comment: The c.832C>T (p.Q278*) alteration, located in exon 5 (coding exon 5) of the NFIA gene, consists of a C to T substitution at nucleotide position 832. This changes the amino acid from a glutamine (Q) to a stop codon at amino acid position 278. This variant is expected to result in loss of function by premature protein truncation or nonsense-mediated mRNA decay. This variant was not reported in population-based cohorts in the Genome Aggregation Database (gnomAD). Based on the available evidence, this alteration is classified as pathogenic.

NM_001134673.4(NFIA):c.697C>T (p.Gln233Ter)

Gene: NFIA (nuclear factor I A; plus strand). Cytogenetic location: 1p31.3.
Variant type: single nucleotide variant.
Coding change: c.697C>T on transcript NM_001134673.4 (MANE Select); coding-DNA position 697, C replaced by T.
Protein change: p.Gln233Ter; replaces glutamine 233 with a stop codon.
Molecular consequence: nonsense.
Genome position (GRCh38, 1-based): chr1:61,332,583, C>T. VCF-style: chr1-61332583-C-T. GRCh37 (hg19) VCF-style: chr1-61798255-C-T.
Other names: c.697C>T, p.Gln233Ter (NM_005595.5); c.673C>T, p.Gln225Ter (NM_001145511.2); c.832C>T, p.Gln278Ter (NM_001145512.2); short protein forms Q225*, Q233*, Q278*.
Identifiers: ClinVar variation 5025727 (VCV005025727.1).
Genomic context (GRCh38, chr1:61,332,583, plus strand): 5'-TTCCAGGACAGTTTTGTCACATCAGGTGTTTTTAGTGTCACTGAGCTAGTAAGAGTGTCA[C>T]AGAGTAAGTATAATTTTGCTTTGATTTGGTACAGATTTGCCTTGGTTTGTGCTTACTTTC-3'